The following is an entry in ClinVar:

NM_001048166.1(STIL):c.3430G>A (p.Asp1144Asn)

Gene: STIL (STIL centriolar assembly protein; minus strand). Cytogenetic location: 1p33.
Variant type: single nucleotide variant.
Coding change: c.3430G>A on transcript NM_001048166.1 (MANE Select); coding-DNA position 3430, G replaced by A.
Protein change: p.Asp1144Asn; replaces aspartic acid 1144 with asparagine.
Molecular consequence: missense variant.
Genome position (GRCh38, 1-based): chr1:47,251,573, C>T on the plus strand (G>A on the coding strand, the complement: STIL is on the minus strand). VCF-style: chr1-47251573-C-T. GRCh37 (hg19) VCF-style: chr1-47717245-C-T.
Other names: c.3427G>A, p.Asp1143Asn (NM_001282936.1, NM_003035.2); c.3376G>A, p.Asp1126Asn (NM_001282937.1); c.3289G>A, p.Asp1097Asn (NM_001282938.1); c.3235G>A, p.Asp1079Asn (NM_001282939.1); short protein forms D1143N, D1144N, D1079N, D1097N, D1126N.
Identifiers: ClinVar variation 160065 (VCV000160065.22), dbSNP rs112563569, ClinGen allele CA173630.

ClinVar aggregate classification (germline): Benign. Review status: criteria provided, multiple submitters, no conflicts (2 of 4 stars). 7 submissions from 7 submitters: Benign (7). Last evaluated 2026-01-26.

Conditions:
Microcephaly 7, primary, autosomal recessive. Identifiers: Orphanet 2512, MedGen C2675187, MONDO:0012989, OMIM 612703.

Allele frequency attached by ClinVar (database versions not stated): gnomAD exomes 0.00177; ExAC 0.00208; 1000 Genomes Project 0.00619; gnomAD 0.00678 and 0.00725; 1000 Genomes Project 30x 0.00687; ESP Exome Variant Server 0.00692; TOPMed 0.00728.
gnomAD v4.1: 2,256 of 1,613,806 alleles (0.14%); highest among the groups gnomAD compares: African/African-American, 2.3%; 24 homozygotes.

Submissions (7):

Labcorp Genetics (formerly Invitae), Labcorp
Classification: Benign. Last evaluated: 2026-01-26. Review status: criteria provided, single submitter. Criteria: Invitae Variant Classification Sherloc (09022015). Collection method: clinical testing. Allele origin: germline.

Blueprint Genetics
Classification: Benign. Last evaluated: 2024-11-26. Review status: criteria provided, single submitter. Criteria: ACMG Guidelines, 2015. Collection method: clinical testing. Allele origin: germline.

GeneDx
Classification: Benign. Last evaluated: 2019-05-03. Review status: criteria provided, single submitter. Criteria: GeneDx Variant Classification Process June 2021. Collection method: clinical testing. Allele origin: germline. Affected: yes.

Athena Diagnostics
Classification: Benign. Last evaluated: 2018-09-14. Review status: criteria provided, single submitter. Criteria: Athena Diagnostics Criteria. Collection method: clinical testing. Allele origin: germline.

Illumina Laboratory Services, Illumina
Classification: Benign for Microcephaly 7, primary, autosomal recessive. Last evaluated: 2017-04-27. Review status: criteria provided, single submitter. Criteria: ICSL Variant Classification Criteria 13 December 2019. Collection method: clinical testing. Allele origin: germline.
Comment: This variant was observed as part of a predisposition screen in an ostensibly healthy population. A literature search was performed for the gene, cDNA change, and amino acid change (where applicable). Publications were found based on this search. The evidence from the literature, in combination with allele frequency data from public databases where available, was sufficient to rule this variant out of causing disease. Therefore, this variant is classified as benign.

Genetic Services Laboratory, University of Chicago
Classification: Benign. Last evaluated: 2013-02-08. Review status: criteria provided, single submitter. Criteria: ACMG Guidelines, 2007. Collection method: clinical testing. Allele origin: germline. Inheritance: Autosomal recessive inheritance.

Breakthrough Genomics
Classification: Benign. Review status: criteria provided, single submitter. Criteria: ACMG Guidelines, 2015. Collection method: not provided. Allele origin: germline. Inheritance: Autosomal recessive inheritance. Affected: yes.

Literature cited by the submitters: PubMed 23772360 (cited by Athena Diagnostics and Illumina Laboratory Services, Illumina).